The following is an entry in ClinVar:

NM_000059.4(BRCA2):c.861G>A (p.Met287Ile)

Gene: BRCA2 (BRCA2 DNA repair associated; plus strand). Cytogenetic location: 13q13.1.
Variant type: single nucleotide variant.
Coding change: c.861G>A on transcript NM_000059.4 (MANE Select); coding-DNA position 861, G replaced by A.
Protein change: p.Met287Ile; replaces methionine 287 with isoleucine.
Molecular consequence: missense variant.
Genome position (GRCh38, 1-based): chr13:32,332,339, G>A. VCF-style: chr13-32332339-G-A. GRCh37 (hg19) VCF-style: chr13-32906476-G-A.
Other names: short protein forms M287I.
Identifiers: ClinVar variation 483091 (VCV000483091.7), dbSNP rs1555281614, ClinGen allele CA387760569.

ClinVar aggregate classification (germline): Conflicting classifications of pathogenicity. Review status: criteria provided, conflicting classifications (1 of 4 stars). 2 submissions from 2 submitters: Uncertain significance (1); Likely benign (1). Last evaluated 2023-03-23.

Conditions:
Hereditary cancer-predisposing syndrome. Also called: Neoplastic Syndromes, Hereditary; Tumor predisposition; Hereditary Cancer Syndrome; Hereditary neoplastic syndrome. Identifiers: Orphanet 140162, MedGen C0027672, MeSH D009386, MONDO:0015356.

Allele frequency attached by ClinVar (database versions not stated): gnomAD exomes below 0.00001.
gnomAD v4.1: 1 of 1,600,122 alleles (0.000062%); highest among the groups gnomAD compares: Non-Finnish European, 0.000085%; no homozygotes.

Submissions (2):

University of Washington Department of Laboratory Medicine, University of Washington
Classification: Likely benign for Hereditary cancer-predisposing syndrome. Last evaluated: 2023-03-23. Review status: criteria provided, single submitter. Criteria: Dines et al. (Genet Med. 2020). Collection method: curation. Allele origin: germline.
Comment: Missense variant in a coldspot region where missense variants are very unlikely to be pathogenic (PMID:31911673).

BRCA2 exon 10 coldspot. Reclassification based on statistical prior probability.

Ambry Genetics
Classification: Uncertain significance for Hereditary cancer-predisposing syndrome. Last evaluated: 2017-03-27. Review status: criteria provided, single submitter. Criteria: Ambry Variant Classification Scheme 2023. Collection method: clinical testing. Allele origin: germline.
Comment: The p.M287I variant (also known as c.861G>A), located in coding exon 9 of the BRCA2 gene, results from a G to A substitution at nucleotide position 861. The methionine at codon 287 is replaced by isoleucine, an amino acid with highly similar properties. This amino acid position is not well conserved in available vertebrate species, and isoleucine is the reference amino acid in other vertebrate species. In addition, this alteration is predicted to be tolerated by in silico analysis. Since supporting evidence is limited at this time, the clinical significance of this alteration remains unclear.